The following is an entry in ClinVar:

NM_000548.5(TSC2):c.2046G>T (p.Gly682=)

Gene: TSC2 (TSC complex subunit 2; plus strand). Cytogenetic location: 16p13.3.
Variant type: single nucleotide variant.
Coding change: c.2046G>T on transcript NM_000548.5 (MANE Select); coding-DNA position 2046, G replaced by T.
Protein change: p.Gly682=; no amino-acid change (glycine 682 retained).
Molecular consequence: synonymous variant.
Genome position (GRCh38, 1-based): chr16:2,071,883, G>T. VCF-style: chr16-2071883-G-T. GRCh37 (hg19) VCF-style: chr16-2121884-G-T.
Other names: c.2046G>T (NM_000548.3); c.2046G>T, p.Gly682= (NM_001077183.3, NM_001114382.3, NM_001363528.2 and 3 more transcripts); c.1935G>T, p.Gly645= (NM_001318827.2); c.1899G>T, p.Gly633= (NM_001318829.2); c.1446G>T, p.Gly482= (NM_001318831.2); c.2079G>T, p.Gly693= (NM_001318832.2).
Identifiers: ClinVar variation 1555142 (VCV001555142.11), dbSNP rs749536123, ClinGen allele CA493042610.

ClinVar aggregate classification (germline): Conflicting classifications of pathogenicity. Review status: criteria provided, conflicting classifications (1 of 4 stars). 4 submissions from 4 submitters: Uncertain significance (1); Likely benign (3). Last evaluated 2026-02-08.

Conditions:
Hereditary cancer-predisposing syndrome. Also called: Neoplastic Syndromes, Hereditary; Tumor predisposition; Hereditary Cancer Syndrome; Hereditary neoplastic syndrome. Identifiers: Orphanet 140162, MedGen C0027672, MeSH D009386, MONDO:0015356.
Tuberous sclerosis syndrome (TSC). Also called: Tuberous sclerosis; Tuberous Sclerosis Complex. Identifiers: Orphanet 805, MedGen C0041341, MONDO:0001734.
Tuberous sclerosis 2 (TSC2). Identifiers: Orphanet 805, MedGen C1860707, MONDO:0013199, OMIM 613254.

Submissions (4):

Ambry Genetics
Classification: Likely benign for Hereditary cancer-predisposing syndrome. Last evaluated: 2026-02-08. Review status: criteria provided, single submitter. Criteria: Ambry Variant Classification Scheme 2023. Collection method: clinical testing. Allele origin: germline.

Quest Diagnostics Nichols Institute San Juan Capistrano
Classification: Uncertain significance. Last evaluated: 2024-02-08. Review status: criteria provided, single submitter. Criteria: Quest Diagnostics criteria. Collection method: clinical testing. Allele origin: unknown.

All of Us Research Program, National Institutes of Health
Classification: Likely benign for Tuberous sclerosis syndrome. Last evaluated: 2023-04-28. Review status: criteria provided, single submitter. Criteria: ACMG Guidelines, 2015. Collection method: clinical testing. Allele origin: germline. Inheritance: Autosomal dominant inheritance. Observed: 1 variant allele, 1 heterozygote.
Comment: This study involves interpretation of variants in research participants for the purpose of population health screening. Participant phenotype was not available at the time of variant classification. Additional details can be found in publication PMID: 35346344, PMCID: PMC8962531

Labcorp Genetics (formerly Invitae), Labcorp
Classification: Likely benign for Tuberous sclerosis 2. Last evaluated: 2022-08-22. Review status: criteria provided, single submitter. Criteria: Invitae Variant Classification Sherloc (09022015). Collection method: clinical testing. Allele origin: germline.